The following is an entry in ClinVar:

NM_000458.4(HNF1B):c.852C>T (p.His284=)

Gene: HNF1B (HNF1 homeobox B; minus strand). Cytogenetic location: 17q12.
Variant type: single nucleotide variant.
Coding change: c.852C>T on transcript NM_000458.4 (MANE Select); coding-DNA position 852, C replaced by T.
Protein change: p.His284=; no amino-acid change (histidine 284 retained).
Molecular consequence: synonymous variant.
Genome position (GRCh38, 1-based): chr17:37,731,788, G>A on the plus strand (C>T on the coding strand, the complement: HNF1B is on the minus strand). VCF-style: chr17-37731788-G-A. GRCh37 (hg19) VCF-style: chr17-36091779-G-A.
Other names: c.774C>T, p.His258= (NM_001165923.4, NM_001304286.2).
Identifiers: ClinVar variation 805641 (VCV000805641.12), dbSNP rs149581999, ClinGen allele CA8518973.

ClinVar aggregate classification (germline): Benign/Likely benign. Review status: criteria provided, multiple submitters, no conflicts (2 of 4 stars). 5 submissions from 5 submitters: Benign (2); Likely benign (3). Last evaluated 2026-01-26.

Conditions:
Maturity-onset diabetes of the young (MODY). Also called: Maturity onset diabetes mellitus in young. Identifiers: Orphanet 552, MedGen C0342276, MONDO:0018911, HP:0004904.

Allele frequency attached by ClinVar (database versions not stated): gnomAD exomes 0.00008; ExAC 0.00010; gnomAD 0.00018 and 0.00022; 1000 Genomes Project 0.00020; TOPMed 0.00027; 1000 Genomes Project 30x 0.00031; ESP Exome Variant Server 0.00038.
gnomAD v4.1: 177 of 1,614,006 alleles (0.011%); highest among the groups gnomAD compares: African/African-American, 0.049%; no homozygotes.

Submissions (5):

Labcorp Genetics (formerly Invitae), Labcorp
Classification: Likely benign. Last evaluated: 2026-01-26. Review status: criteria provided, single submitter. Criteria: Invitae Variant Classification Sherloc (09022015). Collection method: clinical testing. Allele origin: germline.

Blueprint Genetics
Classification: Likely benign. Last evaluated: 2024-11-08. Review status: criteria provided, single submitter. Criteria: ACMG Guidelines, 2015. Collection method: clinical testing. Allele origin: germline.

Ambry Genetics
Classification: Likely benign for Maturity-onset diabetes of the young. Last evaluated: 2022-11-19. Review status: criteria provided, single submitter. Criteria: Ambry Variant Classification Scheme 2023. Collection method: clinical testing. Allele origin: germline.

Athena Diagnostics
Classification: Benign. Last evaluated: 2018-12-21. Review status: criteria provided, single submitter. Criteria: Athena Diagnostics Criteria. Collection method: clinical testing. Allele origin: germline.

Clinical Genomics, Uppaluri K&H Personalized Medicine Clinic
Classification: Benign for Maturity-onset diabetes of the young. Review status: criteria provided, single submitter. Criteria: K & H Uppaluri Personalized Medicine Clinic Variant Classification & Assertion Criteria_Updated V.1. Collection method: research. Allele origin: unknown. Inheritance: Autosomal dominant inheritance.
Comment: HNF1B gene mutations are associated with early onset diabetes and pancreatic atrophy. It is also associated with multiple renal manifestations including renal cysts, Tubulointerstitial disease, glomerulocystic disease, renal hypoplasia, hypomagnesemia. However no sufficient evidence is found to ascertain the role of this particular variant rs149581999, yet.

Literature cited by the submitters: PubMed 24897035 (cited by Clinical Genomics, Uppaluri K&H Personalized Medicine Clinic); PubMed 25536396 (cited by Clinical Genomics, Uppaluri K&H Personalized Medicine Clinic); PubMed 27615128 (cited by Clinical Genomics, Uppaluri K&H Personalized Medicine Clinic); PubMed 28215227 (cited by Clinical Genomics, Uppaluri K&H Personalized Medicine Clinic); PubMed 33434175 (cited by Clinical Genomics, Uppaluri K&H Personalized Medicine Clinic); PubMed 25741167 (cited by Clinical Genomics, Uppaluri K&H Personalized Medicine Clinic); PubMed 26340261 (cited by Clinical Genomics, Uppaluri K&H Personalized Medicine Clinic); PubMed 19639018 (cited by Clinical Genomics, Uppaluri K&H Personalized Medicine Clinic).